The following is an entry in ClinVar:

ClinVar aggregate classification (germline): Uncertain significance (1 of 4 stars; one submission).

Conditions:
Fanconi anemia complementation group O. Also called: RAD51C-Related Fanconi Anemia. Identifiers: Orphanet 84, MedGen C3150653, MONDO:0013248, OMIM 613390.

Submission:

Labcorp Genetics (formerly Invitae), Labcorp
Classification: Uncertain significance for Fanconi anemia complementation group O. Last evaluated: 2022-11-14. Review status: criteria provided, single submitter. Criteria: Invitae Variant Classification Sherloc (09022015). Collection method: clinical testing. Allele origin: germline.
Comment: This sequence change falls in intron 3 of the RAD51C gene. It does not directly change the encoded amino acid sequence of the RAD51C protein. This variant is not present in population databases (gnomAD no frequency). This variant has not been reported in the literature in individuals affected with RAD51C-related conditions. Algorithms developed to predict the effect of sequence changes on RNA splicing suggest that this variant may create or strengthen a splice site. In summary, the available evidence is currently insufficient to determine the role of this variant in disease. Therefore, it has been classified as a Variant of Uncertain Significance.

NM_058216.3(RAD51C):c.571+7T>A

Gene: RAD51C (RAD51 paralog C; plus strand). Cytogenetic location: 17q22.
Variant type: single nucleotide variant.
Coding change: c.571+7T>A on transcript NM_058216.3 (MANE Select); 7 bases into the intron after coding-DNA position 571, T replaced by A.
Molecular consequence: intron variant.
Genome position (GRCh38, 1-based): chr17:58,696,866, T>A. VCF-style: chr17-58696866-T-A. GRCh37 (hg19) VCF-style: chr17-56774227-T-A.
Identifiers: ClinVar variation 2021272 (VCV002021272.4), dbSNP rs1024076621, ClinGen allele CA2580094436.